The following is an entry in ClinVar:

NM_201384.3(PLEC):c.2127G>C (p.Gln709His)

Gene: PLEC (plectin; minus strand). Cytogenetic location: 8q24.3.
Variant type: single nucleotide variant.
Coding change: c.2127G>C on transcript NM_201384.3 (MANE Select); coding-DNA position 2127, G replaced by C.
Protein change: p.Gln709His; replaces glutamine 709 with histidine.
Molecular consequence: missense variant.
Genome position (GRCh38, 1-based): chr8:143,931,988, C>G on the plus strand (G>C on the coding strand, the complement: PLEC is on the minus strand). VCF-style: chr8-143931988-C-G. GRCh37 (hg19) VCF-style: chr8-145006156-C-G.
Other names: c.2208G>C, p.Gln736His (NM_000445.5); c.2085G>C, p.Gln695His (NM_201378.4); c.2061G>C, p.Gln687His (NM_201379.3); c.2538G>C, p.Gln846His (NM_201380.4); c.2031G>C, p.Gln677His (NM_201381.3); c.2127G>C, p.Gln709His (NM_201382.4); c.2139G>C, p.Gln713His (NM_201383.3); short protein forms Q736H, Q677H, Q687H, Q713H, Q846H, Q695H, Q709H.
Identifiers: ClinVar variation 644197 (VCV000644197.9), dbSNP rs1303759485, ClinGen allele CA372576902.

ClinVar aggregate classification (germline): Uncertain significance. Review status: criteria provided, multiple submitters, no conflicts (2 of 4 stars). 3 submissions from 3 submitters: Uncertain significance (3). Last evaluated 2022-06-04.

Conditions:
Epidermolysis bullosa simplex, Ogna type (EBS5A). Also called: Pidermolysis bullosa simplex 5A, Ogna type; EPIDERMOLYSIS BULLOSA SIMPLEX 5A, OGNA TYPE. Identifiers: Orphanet 79401, MedGen C0432317, MONDO:0007555, OMIM 131950.
Autosomal recessive limb-girdle muscular dystrophy type 2Q (LGMDR17). Also called: MUSCULAR DYSTROPHY, LIMB-GIRDLE, AUTOSOMAL RECESSIVE 17. Identifiers: Orphanet 254361, MedGen C3150989, MONDO:0013390, OMIM 613723.
Epidermolysis bullosa simplex with nail dystrophy (EBS5D). Identifiers: MedGen C4225309, MONDO:0014661, OMIM 616487.
Epidermolysis bullosa simplex 5B, with muscular dystrophy (EBS5B). Also called: Epidermolysis bullosa simplex with muscular dystrophy; EPIDERMOLYSIS BULLOSA SIMPLEX AND LIMB-GIRDLE MUSCULAR DYSTROPHY. Identifiers: Orphanet 257, MedGen C2931072, MONDO:0009181, OMIM 226670.
Epidermolysis bullosa simplex 5C, with pyloric atresia (EBS5C). Also called: PLEC-Related Epidermolysis Bullosa with Pyloric Atresia; Epidermolysis bullosa simplex with pyloric atresia; PLEC1-Related Epidermolysis Bullosa with Pyloric Atresia. Identifiers: Orphanet 158684, MedGen C2677349, MONDO:0012807, OMIM 612138.

Allele frequency attached by ClinVar (database versions not stated): gnomAD exomes below 0.00001 and 0.00001; gnomAD 0.00001; TOPMed 0.00001.
gnomAD v4.1: 14 of 1,607,824 alleles (0.00087%); highest among the groups gnomAD compares: Middle Eastern, 0.02%; no homozygotes.

Submissions (3):

Labcorp Genetics (formerly Invitae), Labcorp
Classification: Uncertain significance for Autosomal recessive limb-girdle muscular dystrophy type 2Q; Epidermolysis bullosa simplex, Ogna type; Epidermolysis bullosa simplex with nail dystrophy; Epidermolysis bullosa simplex 5C, with pyloric atresia; Epidermolysis bullosa simplex 5B, with muscular dystrophy. Last evaluated: 2022-06-04. Review status: criteria provided, single submitter. Criteria: Invitae Variant Classification Sherloc (09022015). Collection method: clinical testing. Allele origin: germline.
Comment: In summary, the available evidence is currently insufficient to determine the role of this variant in disease. Therefore, it has been classified as a Variant of Uncertain Significance. Algorithms developed to predict the effect of missense changes on protein structure and function are either unavailable or do not agree on the potential impact of this missense change (SIFT: "Deleterious"; PolyPhen-2: "Not Available"; Align-GVGD: "Class C15"). ClinVar contains an entry for this variant (Variation ID: 644197). This variant has not been reported in the literature in individuals affected with PLEC-related conditions. This variant is present in population databases (no rsID available, gnomAD 0.0009%). This sequence change replaces glutamine, which is neutral and polar, with histidine, which is basic and polar, at codon 736 of the PLEC protein (p.Gln736His).

Revvity Omics, Revvity
Classification: Uncertain significance. Last evaluated: 2020-03-09. Review status: criteria provided, single submitter. Criteria: ACMG Guidelines, 2015. Collection method: clinical testing. Allele origin: germline.

Athena Diagnostics
Classification: Uncertain significance. Last evaluated: 2018-12-28. Review status: criteria provided, single submitter. Criteria: Athena Diagnostics Criteria. Collection method: clinical testing. Allele origin: germline.